The following is an entry in ClinVar:

ClinVar aggregate classification (germline): Uncertain significance. Review status: criteria provided, multiple submitters, no conflicts (2 of 4 stars). 2 submissions from 2 submitters: Uncertain significance (2). Last evaluated 2025-11-03.

Conditions:
Inborn genetic diseases. Identifiers: MedGen C0950123, MeSH D030342.
Perlman syndrome (PRLMNS). Identifiers: Orphanet 2849, MedGen C0796113, MONDO:0009965, OMIM 267000.

Allele frequency attached by ClinVar (database versions not stated): gnomAD exomes below 0.00001 and 0.00001; TOPMed below 0.00001; gnomAD 0.00001; ExAC 0.00002; 1000 Genomes Project 30x 0.00016; 1000 Genomes Project 0.00020.
gnomAD v4.1: 10 of 1,614,028 alleles (0.00062%); highest among the groups gnomAD compares: South Asian, 0.0077%; no homozygotes.

Submissions (2):

Labcorp Genetics (formerly Invitae), Labcorp
Classification: Uncertain significance for Perlman syndrome. Last evaluated: 2025-11-03. Review status: criteria provided, single submitter. Criteria: Invitae Variant Classification Sherloc (09022015). Collection method: clinical testing. Allele origin: germline.
Comment: This sequence change replaces valine, which is neutral and non-polar, with methionine, which is neutral and non-polar, at codon 275 of the DIS3L2 protein (p.Val275Met). This variant is present in population databases (rs560705101, gnomAD 0.006%). This variant has not been reported in the literature in individuals affected with DIS3L2-related conditions. ClinVar contains an entry for this variant (Variation ID: 864766). Invitae Evidence Modeling of protein sequence and biophysical properties (such as structural, functional, and spatial information, amino acid conservation, physicochemical variation, residue mobility, and thermodynamic stability) indicates that this missense variant is not expected to disrupt DIS3L2 protein function with a negative predictive value of 80%. In summary, the available evidence is currently insufficient to determine the role of this variant in disease. Therefore, it has been classified as a Variant of Uncertain Significance.

Ambry Genetics
Classification: Uncertain significance for Inborn genetic diseases. Last evaluated: 2025-08-11. Review status: criteria provided, single submitter. Criteria: Ambry Variant Classification Scheme 2023. Collection method: clinical testing. Allele origin: germline.

NM_152383.5(DIS3L2):c.823G>A (p.Val275Met)

Gene: DIS3L2 (DIS3 like 3'-5' exoribonuclease 2; plus strand). Cytogenetic location: 2q37.1.
Variant type: single nucleotide variant.
Coding change: c.823G>A on transcript NM_152383.5 (MANE Select); coding-DNA position 823, G replaced by A.
Protein change: p.Val275Met; replaces valine 275 with methionine.
Molecular consequence: missense variant. On other transcripts: non-coding transcript variant (1).
Genome position (GRCh38, 1-based): chr2:232,136,592, G>A. VCF-style: chr2-232136592-G-A. GRCh37 (hg19) VCF-style: chr2-233001302-G-A.
Other names: c.823G>A, p.Val275Met (NM_001257281.2); short protein forms V275M.
Identifiers: ClinVar variation 864766 (VCV000864766.10), dbSNP rs560705101, ClinGen allele CA2163956.
Genomic context (GRCh38, chr2:232,136,592, plus strand): 5'-GCTGATAAGAACAGCGAACTGTTTAGGAAATACGCCCTGTTTTCTCCCTCAGACCACCGA[G>A]TGCCTAGAATTTATGTGCCTCTCAAGGACTGTCCCCAGGACTTTGTGGCACGGCCTAAAG-3'
Protein context (NP_689596.4, residues 265-285): YALFSPSDHR[Val275Met]PRIYVPLKDC